The following is an entry in ClinVar:

NM_031220.4(PITPNM3):c.*2981G>A

Gene: PITPNM3 (PITPNM family member 3; minus strand). Cytogenetic location: 17p13.2.
Variant type: single nucleotide variant.
Coding change: c.*2981G>A on transcript NM_031220.4 (MANE Select); 2981 bases downstream of the stop codon, G replaced by A.
Molecular consequence: 3 prime UTR variant.
Genome position (GRCh38, 1-based): chr17:6,452,357, C>T on the plus strand (G>A on the coding strand, the complement: PITPNM3 is on the minus strand). VCF-style: chr17-6452357-C-T. GRCh37 (hg19) VCF-style: chr17-6355677-C-T.
Other names: c.*2981G>A (NM_001165966.2).
Identifiers: ClinVar variation 324686 (VCV000324686.6), dbSNP rs3809839, ClinGen allele CA10646518.

ClinVar aggregate classification (germline): Benign. Review status: criteria provided, multiple submitters, no conflicts (2 of 4 stars). 2 submissions from 2 submitters: Benign (2). Last evaluated 2018-01-13.

Conditions:
Cone-rod dystrophy 5 (CORD5). Identifiers: Orphanet 1872, MedGen C1832976, MONDO:0010969, OMIM 600977.

Allele frequency attached by ClinVar (database versions not stated): 1000 Genomes Project 30x 0.20706; 1000 Genomes Project 0.20727; gnomAD 0.27031; TOPMed 0.28131; gnomAD exomes 0.40000.
gnomAD v4.1: 43,613 of 152,118 alleles (29%); highest among the groups gnomAD compares: Middle Eastern, 40%; 7,732 homozygotes.

Submissions (2):

Illumina Laboratory Services, Illumina
Classification: Benign for Cone-rod dystrophy 5. Last evaluated: 2018-01-13. Review status: criteria provided, single submitter. Criteria: ICSL Variant Classification Criteria 13 December 2019. Collection method: clinical testing. Allele origin: germline.
Comment: This variant was observed in the ICSL laboratory as part of a predisposition screen in an ostensibly healthy population. It had not been previously curated by ICSL or reported in the Human Gene Mutation Database (HGMD: prior to June 1st, 2018), and was therefore a candidate for classification through an automated scoring system. Utilizing variant allele frequency, disease prevalence and penetrance estimates, and inheritance mode, an automated score was calculated to assess if this variant is too frequent to cause the disease. Based on the score and internal cut-off values, a variant classified as benign is not then subjected to further curation. The score for this variant resulted in a classification of benign for this disease.

Breakthrough Genomics
Classification: Benign. Review status: criteria provided, single submitter. Criteria: ACMG Guidelines, 2015. Collection method: not provided. Allele origin: germline. Inheritance: Autosomal dominant inheritance. Affected: yes.